The following is an entry in ClinVar:

NM_032588.4(TRIM63):c.548G>A (p.Arg183His)

Gene: TRIM63 (tripartite motif containing 63; minus strand). Cytogenetic location: 1p36.11.
Variant type: single nucleotide variant.
Coding change: c.548G>A on transcript NM_032588.4 (MANE Select); coding-DNA position 548, G replaced by A.
Protein change: p.Arg183His; replaces arginine 183 with histidine.
Molecular consequence: missense variant.
Genome position (GRCh38, 1-based): chr1:26,060,315, C>T on the plus strand (G>A on the coding strand, the complement: TRIM63 is on the minus strand). VCF-style: chr1-26060315-C-T. GRCh37 (hg19) VCF-style: chr1-26386806-C-T.
Other names: p.Arg183His; short protein forms R183H.
Identifiers: ClinVar variation 2544614 (VCV002544614.5), dbSNP rs139003247, ClinGen allele CA699617.
Genomic context (GRCh38, chr1:26,060,315, plus strand): 5'-TGTCCGCTCACCTTGGTCACTCGACGGGAATCCTCCAGCTGAGTGATGATGGTCTGCACA[C>T]GGTCATTCCCCGCCACCAGCATGGAGATACAGTTATTCAGTTCAGTCTAGATGGGGGTGT-3'
Protein context (NP_115977.2, residues 173-193): CISMLVAGND[Arg183His]VQTIITQLED

ClinVar aggregate classification (germline): Uncertain significance. Review status: criteria provided, multiple submitters, no conflicts (2 of 4 stars). 3 submissions from 3 submitters: Uncertain significance (3). Last evaluated 2026-09-19.

Conditions:
Inborn genetic diseases. Identifiers: MedGen C0950123, MeSH D030342.
TRIM63-related disorder. Also called: TRIM63-related condition.

Allele frequency attached by ClinVar (database versions not stated): ExAC 0.00004; gnomAD exomes 0.00004; ESP Exome Variant Server 0.00008; TOPMed 0.00013; 1000 Genomes Project 30x 0.00016; 1000 Genomes Project 0.00020.
gnomAD v4.1: 74 of 1,614,066 alleles (0.0046%); highest among the groups gnomAD compares: African/African-American, 0.024%; no homozygotes.

Submissions (3):

PreventionGenetics, part of Exact Sciences
Classification: Uncertain significance for TRIM63-related condition. Last evaluated: 2026-09-19. Review status: criteria provided, single submitter. Criteria: ACMG Guidelines, 2015. Collection method: clinical testing. Allele origin: germline.
Comment: The TRIM63 c.548G>A variant is predicted to result in the amino acid substitution p.Arg183His. To our knowledge, this variant has not been reported in the literature. This variant is reported in 0.024% of alleles in individuals of African descent in gnomAD. At this time, the clinical significance of this variant is uncertain due to the absence of conclusive functional and genetic evidence.

Mayo Clinic Laboratories, Mayo Clinic
Classification: Uncertain significance. Last evaluated: 2025-06-12. Review status: criteria provided, single submitter. Criteria: ACMG Guidelines, 2015. Collection method: clinical testing. Allele origin: germline. Observed: 1 variant allele.
Comment: BP4_moderate

Ambry Genetics
Classification: Uncertain significance for Inborn genetic diseases. Last evaluated: 2025-05-05. Review status: criteria provided, single submitter. Criteria: Ambry Variant Classification Scheme 2023. Collection method: clinical testing. Allele origin: germline.